The following is an entry in ClinVar:

NM_001845.6(COL4A1):c.-13C>G

Gene: COL4A1 (collagen type IV alpha 1 chain; minus strand). Cytogenetic location: 13q34.
Variant type: single nucleotide variant.
Coding change: c.-13C>G on transcript NM_001845.6 (MANE Select); 13 bases upstream of the start codon, C replaced by G.
Molecular consequence: 5 prime UTR variant.
Genome position (GRCh38, 1-based): chr13:110,307,040, G>C on the plus strand (C>G on the coding strand, the complement: COL4A1 is on the minus strand). VCF-style: chr13-110307040-G-C. GRCh37 (hg19) VCF-style: chr13-110959387-G-C.
Other names: c.-13C>G (NM_001303110.2).
Identifiers: ClinVar variation 311084 (VCV000311084.9), dbSNP rs60069761, ClinGen allele CA7048692.

ClinVar aggregate classification (germline): Likely benign. Review status: criteria provided, multiple submitters, no conflicts (2 of 4 stars). 2 submissions from 2 submitters: Likely benign (2). Last evaluated 2024-10-17.

Conditions:
Brain small vessel disease 1 with or without ocular anomalies (BSVD1). Also called: PORENCEPHALY, TYPE 1, AUTOSOMAL DOMINANT; Brain small vessel disease with or without ocular anomalies; GOULD SYNDROME 1; BRAIN SMALL VESSEL DISEASE WITH HEMORRHAGE. Identifiers: Orphanet 2940, Orphanet 36383, Orphanet 99810, MedGen C4755307, MONDO:0008289, OMIM 175780.

Allele frequency attached by ClinVar (database versions not stated): gnomAD 0.00026; gnomAD exomes 0.00034 and 0.00090; TOPMed 0.00050; ExAC 0.00170.
gnomAD v4.1: 517 of 1,456,354 alleles (0.035%); highest among the groups gnomAD compares: Middle Eastern, 0.12%; 2 homozygotes.

Submissions (2):

Blueprint Genetics
Classification: Likely benign. Last evaluated: 2024-10-17. Review status: criteria provided, single submitter. Criteria: ACMG Guidelines, 2015. Collection method: clinical testing. Allele origin: germline.

Illumina Laboratory Services, Illumina
Classification: Likely benign for Brain small vessel disease 1 with or without ocular anomalies. Last evaluated: 2017-04-27. Review status: criteria provided, single submitter. Criteria: ICSL Variant Classification Criteria 13 December 2019. Collection method: clinical testing. Allele origin: germline.
Comment: This variant was observed as part of a predisposition screen in an ostensibly healthy population. A literature search was performed for the gene, cDNA change, and amino acid change (where applicable). No publications were found based on this search. Allele frequency data from public databases allowed determination this variant is unlikely to cause disease. Therefore, this variant is classified as likely benign.